The following is an entry in ClinVar:

NM_001008395.4(LAMTOR4):c.234G>A (p.Thr78=)

Gene: LAMTOR4 (late endosomal/lysosomal adaptor, MAPK and MTOR activator 4; plus strand). Cytogenetic location: 7q22.1.
Variant type: single nucleotide variant.
Coding change: c.234G>A on transcript NM_001008395.4 (MANE Select); coding-DNA position 234, G replaced by A.
Protein change: p.Thr78=; no amino-acid change (threonine 78 retained).
Molecular consequence: synonymous variant. On other transcripts: 3 prime UTR variant (2), non-coding transcript variant (3).
Genome position (GRCh38, 1-based): chr7:100,153,898, G>A. VCF-style: chr7-100153898-G-A. GRCh37 (hg19) VCF-style: chr7-99751521-G-A.
Other names: c.*2G>A (NM_001318236.2, NM_001394588.1); c.153G>A, p.Thr51= (NM_001318237.2); c.312G>A, p.Thr104= (NM_001394587.1); c.231G>A, p.Thr77= (NM_001394589.1).
Identifiers: ClinVar variation 2657739 (VCV002657739.24), dbSNP rs11540426, ClinGen allele CA4376525.

ClinVar aggregate classification (germline): Benign (1 of 4 stars; one submission).

Allele frequency attached by ClinVar (database versions not stated): 1000 Genomes Project 30x 0.00734; 1000 Genomes Project 0.00739; ESP Exome Variant Server 0.00777; TOPMed 0.00857; gnomAD 0.00938; gnomAD exomes 0.01027; ExAC 0.01627.
gnomAD v4.1: 16,139 of 1,591,650 alleles (1%); highest among the groups gnomAD compares: Non-Finnish European, 1.1%; 117 homozygotes.

Submission:

CeGaT Center for Human Genetics Tuebingen
Classification: Benign. Last evaluated: 2024-08-01. Review status: criteria provided, single submitter. Criteria: CeGaT Center For Human Genetics Tuebingen Variant Classification Criteria Version 2. Collection method: clinical testing. Allele origin: germline. Affected: yes. Observed: 4 variant alleles.
Comment: LAMTOR4: BP4, BP7, BS1, BS2